The following is an entry in ClinVar:

ClinVar aggregate classification (germline): Uncertain significance (1 of 4 stars; one submission).

Submission:

GeneDx
Classification: Uncertain significance. Last evaluated: 2020-07-01. Review status: criteria provided, single submitter. Criteria: GeneDx Variant Classification Process June 2021. Collection method: clinical testing. Allele origin: germline. Affected: yes.
Comment: Has not been previously published as pathogenic or benign to our knowledge; Not observed in large population cohorts (Lek et al., 2016); In silico analysis supports that this missense variant has a deleterious effect on protein structure/function

NM_001457.4(FLNB):c.4749C>G (p.Asp1583Glu)

Gene: FLNB (filamin B; plus strand). Cytogenetic location: 3p14.3.
Variant type: single nucleotide variant.
Coding change: c.4749C>G on transcript NM_001457.4 (MANE Select); coding-DNA position 4749, C replaced by G.
Protein change: p.Asp1583Glu; replaces aspartic acid 1583 with glutamic acid.
Molecular consequence: missense variant.
Genome position (GRCh38, 1-based): chr3:58,136,056, C>G. VCF-style: chr3-58136056-C-G. GRCh37 (hg19) VCF-style: chr3-58121783-C-G.
Other names: c.4842C>G, p.Asp1614Glu (NM_001164317.2); c.4749C>G, p.Asp1583Glu (NM_001164318.2, NM_001164319.2); short protein forms D1583E, D1614E.
Identifiers: ClinVar variation 1312992 (VCV001312992.2), dbSNP rs2107224656, ClinGen allele CA353352084.
Genomic context (GRCh38, chr3:58,136,056, plus strand): 5'-CAAAAGAGCCATTGTCCATGACAATAAAGATGGCACGTATGCTGTCACCTACATCCCCGA[C>G]AAGACTGGGCGCTATATGATTGGAGTCACCTACGGGGGTGACGACATCCCACTTTCTCCT-3'
Protein context (NP_001448.2, residues 1573-1593): DGTYAVTYIP[Asp1583Glu]KTGRYMIGVT